The following is an entry in ClinVar:

NM_001270508.2(TNFAIP3):c.980C>T (p.Ala327Val)

Gene: TNFAIP3 (TNF alpha induced protein 3; plus strand). Cytogenetic location: 6q23.3.
Variant type: single nucleotide variant.
Coding change: c.980C>T on transcript NM_001270508.2 (MANE Select); coding-DNA position 980, C replaced by T.
Protein change: p.Ala327Val; replaces alanine 327 with valine.
Molecular consequence: missense variant.
Genome position (GRCh38, 1-based): chr6:137,877,250, C>T. VCF-style: chr6-137877250-C-T. GRCh37 (hg19) VCF-style: chr6-138198387-C-T.
Other names: c.980C>T, p.Ala327Val (NM_001270507.2, NM_006290.4); short protein forms A327V.
Identifiers: ClinVar variation 1679469 (VCV001679469.12), dbSNP rs1210641937, ClinGen allele CA365787837.

ClinVar aggregate classification (germline): Uncertain significance. Review status: criteria provided, multiple submitters, no conflicts (2 of 4 stars). 2 submissions from 2 submitters: Uncertain significance (2). Last evaluated 2022-03-09.

Conditions:
Autoinflammatory syndrome, familial, Behcet-like. Identifiers: MedGen CN234876, MONDO:0031384.

Submissions (2):

Labcorp Genetics (formerly Invitae), Labcorp
Classification: Uncertain significance. Last evaluated: 2022-03-09. Review status: criteria provided, single submitter. Criteria: Invitae Variant Classification Sherloc (09022015). Collection method: clinical testing. Allele origin: germline.
Comment: This variant is not present in population databases (gnomAD no frequency). This sequence change replaces alanine, which is neutral and non-polar, with valine, which is neutral and non-polar, at codon 327 of the TNFAIP3 protein (p.Ala327Val). In summary, the available evidence is currently insufficient to determine the role of this variant in disease. Therefore, it has been classified as a Variant of Uncertain Significance. Algorithms developed to predict the effect of missense changes on protein structure and function are either unavailable or do not agree on the potential impact of this missense change (SIFT: "Tolerated"; PolyPhen-2: "Possibly Damaging"; Align-GVGD: "Class C0"). This variant has not been reported in the literature in individuals affected with TNFAIP3-related conditions.

ARUP Laboratories, Molecular Genetics and Genomics, ARUP Laboratories
Classification: Uncertain significance for Autoinflammatory syndrome, familial, Behcet-like 1. Last evaluated: 2022-01-26. Review status: criteria provided, single submitter. Criteria: ARUP Molecular Germline Variant Investigation Process 2021. Collection method: clinical testing. Allele origin: germline.
Comment: The TNFAIP3 c.980C>T; p.Ala327Val variant, to our knowledge, is not reported in the medical literature or gene specific databases. This variant is also absent from the Genome Aggregation Database, indicating it is not a common polymorphism. The alanine at codon 327 is highly conserved, and computational analyses are uncertain whether this variant is neutral or deleterious (REVEL: 0.200). Due to limited information, the clinical significance of this variant is uncertain at this time.